The following is an entry in ClinVar:

NM_003803.4(MYOM1):c.2779A>C (p.Lys927Gln)

Gene: MYOM1 (myomesin 1; minus strand). Cytogenetic location: 18p11.31.
Variant type: single nucleotide variant.
Coding change: c.2779A>C on transcript NM_003803.4 (MANE Select); coding-DNA position 2779, A replaced by C.
Protein change: p.Lys927Gln; replaces lysine 927 with glutamine.
Molecular consequence: missense variant. On other transcripts: intron variant (1).
Genome position (GRCh38, 1-based): chr18:3,129,247, T>G on the plus strand (A>C on the coding strand, the complement: MYOM1 is on the minus strand). VCF-style: chr18-3129247-T-G. GRCh37 (hg19) VCF-style: chr18-3129245-T-G.
Other names: c.2506+2128A>C (NM_019856.2); short protein forms K927Q.
Identifiers: ClinVar variation 3223558 (VCV003223558.1), dbSNP rs968211864, ClinGen allele CA295515398.

ClinVar aggregate classification (germline): Uncertain significance (1 of 4 stars; one submission).

Allele frequency attached by ClinVar (database versions not stated): gnomAD exomes below 0.00001.
gnomAD v4.1: 2 of 1,613,494 alleles (0.00012%); highest among the groups gnomAD compares: African/African-American, 0.0027%; no homozygotes.

Submission:

Ambry Genetics
Classification: Uncertain significance. Last evaluated: 2023-10-19. Review status: criteria provided, single submitter. Criteria: Ambry Variant Classification Scheme 2023. Collection method: clinical testing. Allele origin: germline.
Comment: The p.K927Q variant (also known as c.2779A>C), located in coding exon 17 of the MYOM1 gene, results from an A to C substitution at nucleotide position 2779. The lysine at codon 927 is replaced by glutamine, an amino acid with similar properties. This amino acid position is conserved. In addition, this alteration is predicted to be tolerated by in silico analysis. Since supporting evidence is limited at this time, the clinical significance of this alteration remains unclear.